The following is an entry in ClinVar:

ClinVar aggregate classification (germline): Uncertain significance. Review status: criteria provided, single submitter (1 of 4 stars). 2 submissions from 2 submitters: Uncertain significance (1). 1 of the submissions does not count toward it. Last evaluated 2022-01-03.

Conditions:
Autosomal recessive congenital ichthyosis 1 (LI1). Also called: COLLODION FETUS; DESQUAMATION OF NEWBORN; ICHTHYOSIS CONGENITA; ICHTHYOSIS CONGENITA II; LAMELLAR EXFOLIATION OF NEWBORN; ICHTHYOSIS, CONGENITAL, AUTOSOMAL RECESSIVE 1, WITH BATHING SUIT DISTRIBUTION. Identifiers: MedGen C4551630, MONDO:0009441, OMIM 242300.

Submissions (2):

3billion
Classification: Uncertain significance for Autosomal recessive congenital ichthyosis 1. Last evaluated: 2022-01-03. Review status: criteria provided, single submitter. Criteria: ACMG Guidelines, 2015. Collection method: clinical testing. Allele origin: germline. Affected: yes. Observed: 1 homozygote.
Comment: The variant is not observed in the gnomAD v2.1.1 dataset (PM2_M). In silico tool predictions suggest damaging effect of the variant on gene or gene product (REVEL: 0.802, 3CNET: 0.967, PP3_P). Missense changes are a common disease-causing mechanism (PP2_P). Therefore, this variant is classified as uncertain significance according to the recommendation of ACMG/AMP guideline.

Human Molecular Lab, Hazara University
Classification: Uncertain significance for Autosomal recessive congenital ichthyosis 1. Review status: no assertion criteria provided. Collection method: research. Allele origin: inherited. Inheritance: Autosomal recessive inheritance. Affected: yes. Observed: 1 variant allele, 1 homozygote. Not counted in ClinVar's aggregate classification.
Comment: The variant c.964T>C :p.Ser322Pro of the TGM1 gene causes a Lamellar ichthyosis (LI), which has previously been reported in families with an autosomal recessive mode of inheritance. In those families, the variant segregated with the disease, including both affected and unaffected members. variant is reported in Clinvar, but no published data is available.

NM_000359.3(TGM1):c.964T>C (p.Ser322Pro)

Gene: TGM1 (transglutaminase 1; minus strand). Cytogenetic location: 14q12.
Variant type: single nucleotide variant.
Coding change: c.964T>C on transcript NM_000359.3 (MANE Select); coding-DNA position 964, T replaced by C.
Protein change: p.Ser322Pro; replaces serine 322 with proline.
Molecular consequence: missense variant.
Genome position (GRCh38, 1-based): chr14:24,259,724, A>G on the plus strand (T>C on the coding strand, the complement: TGM1 is on the minus strand). VCF-style: chr14-24259724-A-G. GRCh37 (hg19) VCF-style: chr14-24728930-A-G.
Other names: p.Ser322Pro; short protein forms S322P.
Identifiers: ClinVar variation 1333584 (VCV001333584.2), dbSNP rs2139024917, ClinGen allele CA389267819.
Genomic context (GRCh38, chr14:24,259,724, plus strand): 5'-GCACACACACAGTAGGACTCAGAGATGTGAGGGTGCTCACCATGGCAGAGATGACCCGGG[A>G]GACATTGACTGGGTCTCCACGGCCTCCATATGGCATCCCCCGCCGGTCCAGGATGTATAA-3'
Protein context (NP_000350.1, residues 312-332): YGGRGDPVNV[Ser322Pro]RVISAMVNSL